The following is an entry in ClinVar:

ClinVar aggregate classification (germline): Conflicting classifications of pathogenicity. Review status: criteria provided, conflicting classifications (1 of 4 stars). 6 submissions from 6 submitters: Likely pathogenic (3); Uncertain significance (2). 1 of the submissions does not count toward it. Last evaluated 2026-01-08.

Conditions:
Hereditary cancer-predisposing syndrome. Also called: Neoplastic Syndromes, Hereditary; Hereditary neoplastic syndrome; Hereditary Cancer Syndrome; Tumor predisposition. Identifiers: Orphanet 140162, MedGen C0027672, MeSH D009386, MONDO:0015356.
Tuberous sclerosis syndrome (TSC). Also called: Tuberous Sclerosis Complex; Tuberous sclerosis. Identifiers: Orphanet 805, MedGen C0041341, MONDO:0001734.
Tuberous sclerosis 2 (TSC2). Identifiers: Orphanet 805, MedGen C1860707, MONDO:0013199, OMIM 613254.

Submissions (6):

Ambry Genetics
Classification: Likely pathogenic for Hereditary cancer-predisposing syndrome. Last evaluated: 2026-01-08. Review status: criteria provided, single submitter. Criteria: Ambry Variant Classification Scheme 2023. Collection method: clinical testing. Allele origin: germline.
Comment: The p.R622P variant (also known as c.1865G>C), located in coding exon 17 of the TSC2 gene, results from a G to C substitution at nucleotide position 1865. The arginine at codon 622 is replaced by proline, an amino acid with dissimilar properties. This variant was reported in individuals with features consistent with tuberous sclerosis complex; however, some carriers are unaffected or have subclinical manifestations of tuberous sclerosis, indicating it carries incomplete penetrance or a milder phenotype than classic TSC2 pathogenic mutations (Suspitsin EN et al. J Hum Genet, 2018 May;63:597-604; external communication; Ambry internal data). Another variant at the same codon, p.R622W (c.1864C>T), has also been identified in individuals with features consistent with tuberous sclerosis complex and in unaffected carriers, and is also reported a a moderate risk variant (Farach LS et al. Am. J. Med. Genet., 2017 Mar;173:771-775; van Eeghen AM et al. Epilepsy Res., 2013 Jan;103:83-7; Ambry internal data). This variant is considered to be rare based on population cohorts in the Genome Aggregation Database (gnomAD). This amino acid position is highly conserved in available vertebrate species. In addition, this alteration is predicted to be deleterious by in silico analysis. Based on the majority of available evidence to date, this variant is likely to be pathogenic, but may be associated with reduced penetrance compared to other TSC2 mutations.

Dasa
Classification: Likely pathogenic for Tuberous sclerosis 2. Last evaluated: 2025-03-18. Review status: criteria provided, single submitter. Criteria: DASA Assertion Criteria. Collection method: clinical testing. Allele origin: germline.
Comment: NM_000548.5(TSC2):c.1865G>C (p.Arg622Pro) is a missense variant that results in the substitution of arginine with proline. The affected residue or protein region has prior evidence supporting clinical relevance. This variant has been reported in individuals with Tuberous sclerosis 2. Also, this variant is absent from population databases. Computational evidence supports a deleterious effect. Based on the currently available evidence, this variant is classified as likely pathogenic.

Genome-Nilou Lab
Classification: Uncertain significance for Tuberous sclerosis 2. Last evaluated: 2021-11-07. Review status: criteria provided, single submitter. Criteria: ACMG Guidelines, 2015. Collection method: clinical testing. Allele origin: germline. Affected: no.

Labcorp Genetics (formerly Invitae), Labcorp
Classification: Likely pathogenic for Tuberous sclerosis 2. Last evaluated: 2020-10-03. Review status: criteria provided, single submitter. Criteria: Invitae Variant Classification Sherloc (09022015). Collection method: clinical testing. Allele origin: germline.
Comment: In summary, the currently available evidence indicates that the variant is pathogenic, but additional data are needed to prove that conclusively. Therefore, this variant has been classified as Likely Pathogenic. This variant disrupts the p.Arg622 amino acid residue in TSC2. Other variant(s) that disrupt this residue have been determined to be pathogenic (PMID: 28211972, 21846442, 21520333, 22867869). This suggests that this residue is clinically significant, and that variants that disrupt this residue are likely to be disease-causing. Advanced modeling of protein sequence and biophysical properties (such as structural, functional, and spatial information, amino acid conservation, physicochemical variation, residue mobility, and thermodynamic stability) performed at Invitae indicates that this missense variant is expected to disrupt TSC2 protein function. This variant has been observed in individual(s) with tuberous sclerosis complex (TSC) (PMID: 29476190). ClinVar contains an entry for this variant (Variation ID: 49775). This variant is not present in population databases (ExAC no frequency). This sequence change replaces arginine with proline at codon 622 of the TSC2 protein (p.Arg622Pro). The arginine residue is highly conserved and there is a moderate physicochemical difference between arginine and proline.

Athena Diagnostics
Classification: Uncertain significance. Last evaluated: 2017-12-01. Review status: criteria provided, single submitter. Criteria: Athena Diagnostics Criteria. Collection method: clinical testing. Allele origin: germline.

Tuberous sclerosis database (TSC2)
No classification provided. Condition: TSC. Review status: no classification provided. Criteria: Tuberous Sclerosis Database Assertion Criteria 2015. Collection method: curation. Allele origin: germline. Affected: yes. Not counted in ClinVar's aggregate classification.

Literature cited by the submitters: PubMed 29476190 (cited by Ambry Genetics and Labcorp Genetics (formerly Invitae), Labcorp); PubMed 28211972 (cited by Labcorp Genetics (formerly Invitae), Labcorp); PubMed 21846442 (cited by Labcorp Genetics (formerly Invitae), Labcorp); PubMed 21520333 (cited by Labcorp Genetics (formerly Invitae), Labcorp); PubMed 22867869 (cited by Labcorp Genetics (formerly Invitae), Labcorp).

NM_000548.5(TSC2):c.1865G>C (p.Arg622Pro)

Gene: TSC2 (TSC complex subunit 2; plus strand). Cytogenetic location: 16p13.3.
Variant type: single nucleotide variant.
Coding change: c.1865G>C on transcript NM_000548.5 (MANE Select); coding-DNA position 1865, G replaced by C.
Protein change: p.Arg622Pro; replaces arginine 622 with proline.
Molecular consequence: missense variant.
Genome position (GRCh38, 1-based): chr16:2,071,535, G>C. VCF-style: chr16-2071535-G-C. GRCh37 (hg19) VCF-style: chr16-2121536-G-C.
Other names: c.1865G>C, p.Arg622Pro (NM_001077183.3, NM_001114382.3, NM_001363528.2 and 3 more transcripts); c.1754G>C, p.Arg585Pro (NM_001318827.2); c.1718G>C, p.Arg573Pro (NM_001318829.2); c.1265G>C, p.Arg422Pro (NM_001318831.2); c.1898G>C, p.Arg633Pro (NM_001318832.2); short protein forms R622P, R573P, R633P, R422P, R585P.
Identifiers: ClinVar variation 49775 (VCV000049775.16), dbSNP rs45517206, ClinGen allele CA016103.
Genomic context (GRCh38, chr16:2,071,535, plus strand): 5'-CTTGGCTCTGGCTTTCACCATCCTCTTCCTGACAGGCCTTTGACTTCCTGTTGCTGCTGC[G>C]GGCCGACTCACTGCACCGCCTGGGCCTGCCCAACAAGGATGGAGTCGTGCGGTTCAGCCC-3'
Protein context (NP_000539.2, residues 612-632): LQAFDFLLLL[Arg622Pro]ADSLHRLGLP